The following is an entry in ClinVar:

ClinVar aggregate classification (germline): Uncertain significance (1 of 4 stars; one submission).

Allele frequency attached by ClinVar (database versions not stated): gnomAD exomes below 0.00001.
gnomAD v4.1: 1 of 1,610,418 alleles (0.000062%); highest among the groups gnomAD compares: Admixed American, 0.0017%; no homozygotes.

Submission:

Labcorp Genetics (formerly Invitae), Labcorp
Classification: Uncertain significance. Last evaluated: 2024-04-10. Review status: criteria provided, single submitter. Criteria: Invitae Variant Classification Sherloc (09022015). Collection method: clinical testing. Allele origin: germline.
Comment: This sequence change affects codon 366 of the CD46 mRNA. It is a 'silent' change, meaning that it does not change the encoded amino acid sequence of the CD46 protein. This variant is not present in population databases (gnomAD no frequency). This variant has not been reported in the literature in individuals affected with CD46-related conditions. Algorithms developed to predict the effect of sequence changes on RNA splicing suggest that this variant may disrupt the consensus splice site. In summary, the available evidence is currently insufficient to determine the role of this variant in disease. Therefore, it has been classified as a Variant of Uncertain Significance.

NM_172351.3(CD46):c.1053C>T (p.Tyr351=)

Gene: CD46 (CD46 molecule; plus strand). Cytogenetic location: 1q32.2.
Variant type: single nucleotide variant.
Coding change: c.1053C>T on transcript NM_172351.3 (MANE Select); coding-DNA position 1053, C replaced by T.
Protein change: p.Tyr351=; no amino-acid change (tyrosine 351 retained).
Molecular consequence: synonymous variant. On other transcripts: intron variant (2).
Genome position (GRCh38, 1-based): chr1:207,785,653, C>T. VCF-style: chr1-207785653-C-T. GRCh37 (hg19) VCF-style: chr1-207958998-C-T.
Other names: c.1098C>T, p.Tyr366= (NM_002389.4, NM_172359.3); c.1053C>T, p.Tyr351= (NM_153826.4); c.1008C>T, p.Tyr336= (NM_172352.3, NM_172353.3); c.1011C>T, p.Tyr337= (NM_172355.3, NM_172356.3); c.966C>T, p.Tyr322= (NM_172357.3, NM_172361.3); c.1019-3C>T (NM_172358.3); c.973+547C>T (NM_172350.3).
Identifiers: ClinVar variation 2983050 (VCV002983050.3), dbSNP rs2526750058, ClinGen allele CA422977244.